The following is an entry in ClinVar:

ClinVar aggregate classification (germline): Likely benign (1 of 4 stars; one submission).

Submission:

CeGaT Center for Human Genetics Tuebingen
Classification: Likely benign. Last evaluated: 2023-04-01. Review status: criteria provided, single submitter. Criteria: CeGaT Center For Human Genetics Tuebingen Variant Classification Criteria Version 2. Collection method: clinical testing. Allele origin: germline. Affected: yes. Observed: 2 variant alleles.
Comment: SLC37A1: BS2

NM_001320537.2(SLC37A1):c.1423+1826_1423+1876del

Gene: SLC37A1 (solute carrier family 37 member 1; plus strand). Cytogenetic location: 21q22.3.
Variant type: Deletion.
Coding change: c.1423+1826_1423+1876del on transcript NM_001320537.2 (MANE Select); bases 1826 to 1876 of the intron after coding-DNA position 1423, 51 bases deleted.
Molecular consequence: intron variant.
Genome position (GRCh38, 1-based): chr21:42,570,264-42,570,314, 51 bases deleted. GRCh37 (hg19): chr21:43,990,374-43,990,424.
Other names: c.1423+1826_1423+1876del (NM_018964.4).
Identifiers: ClinVar variation 2652714 (VCV002652714.24), dbSNP rs1569041606, ClinGen allele CA638067241.